The following is an entry in ClinVar:

ClinVar aggregate classification (germline): Uncertain significance (1 of 4 stars; one submission).

Allele frequency attached by ClinVar (database versions not stated): gnomAD exomes below 0.00001.
gnomAD v4.1: 1 of 1,594,880 alleles (0.000063%); highest among the groups gnomAD compares: South Asian, 0.0011%; no homozygotes.

Submission:

Labcorp Genetics (formerly Invitae), Labcorp
Classification: Uncertain significance. Last evaluated: 2022-04-12. Review status: criteria provided, single submitter. Criteria: Invitae Variant Classification Sherloc (09022015). Collection method: clinical testing. Allele origin: germline.
Comment: This sequence change affects codon 104 of the TTC19 mRNA. It is a 'silent' change, meaning that it does not change the encoded amino acid sequence of the TTC19 protein. This variant also falls at the last nucleotide of exon 2, which is part of the consensus splice site for this exon. In summary, the available evidence is currently insufficient to determine the role of this variant in disease. Therefore, it has been classified as a Variant of Uncertain Significance. Variants that disrupt the consensus splice site are a relatively common cause of aberrant splicing (PMID: 17576681, 9536098). Algorithms developed to predict the effect of sequence changes on RNA splicing suggest that this variant may disrupt the consensus splice site. This variant has not been reported in the literature in individuals affected with TTC19-related conditions. This variant is not present in population databases (gnomAD no frequency).

Literature cited by the submitters: PubMed 17576681; PubMed 9536098.

NM_017775.4(TTC19):c.312G>A (p.Lys104=)

Gene: TTC19 (tetratricopeptide repeat domain 19; plus strand). Cytogenetic location: 17p12.
Variant type: single nucleotide variant.
Coding change: c.312G>A on transcript NM_017775.4 (MANE Select); coding-DNA position 312, G replaced by A.
Protein change: p.Lys104=; no amino-acid change (lysine 104 retained).
Molecular consequence: synonymous variant. On other transcripts: 5 prime UTR variant (1).
Genome position (GRCh38, 1-based): chr17:16,000,245, G>A. VCF-style: chr17-16000245-G-A. GRCh37 (hg19) VCF-style: chr17-15903559-G-A.
Other names: c.-147G>A (NM_001271420.2).
Identifiers: ClinVar variation 2115042 (VCV002115042.4), dbSNP rs1050453784, ClinGen allele CA288187911.
Genomic context (GRCh38, chr17:16,000,245, plus strand): 5'-TGCCGAGGACGGGGCGGACGAGGCCGAGGCAGAGATCATCCAGCTGCTGAAGCGAGCCAA[G>A]GTGAGGCGGCTCCGGGCCCTGCGCCCGGCCGAGCGCGGTAGCCTTTGTGAGCGGGGTCTT-3'
Protein context (NP_060245.3, residues 94-114): AEIIQLLKRA[Lys104=]LSIMKDEPEE